The following is an entry in ClinVar:

ClinVar aggregate classification (germline): Pathogenic (1 of 4 stars; one submission).

Conditions:
Lynch syndrome 5 (LYNCH5). Also called: Colorectal cancer, hereditary nonpolyposis, type 5; Hereditary non-polyposis colorectal cancer, type 5. Identifiers: Orphanet 144, MedGen C1833477, MONDO:0013710, OMIM 614350. Disease mechanism: loss of function.

Submission:

Myriad Genetics, Inc.
Classification: Pathogenic for Lynch syndrome 5. Last evaluated: 2023-08-17. Review status: criteria provided, single submitter. Criteria: Myriad Autosomal Dominant, Autosomal Recessive and X-Linked Classification Criteria (2023). Collection method: clinical testing. Allele origin: unknown.
Comment: This variant is considered pathogenic. This variant creates a frameshift predicted to result in premature protein truncation.

NM_000179.3(MSH6):c.2536_2537insT (p.Glu846fs)

Gene: MSH6 (mutS homolog 6; plus strand). Cytogenetic location: 2p16.3.
Variant type: Insertion.
Coding change: c.2536_2537insT on transcript NM_000179.3 (MANE Select); coding-DNA positions 2536 to 2537, T inserted.
Protein change: p.Glu846fs; shifts the reading frame from glutamic acid 846.
Molecular consequence: frameshift variant. On other transcripts: non-coding transcript variant (5), intron variant (3).
Genome position: GRCh38 VCF-style: chr2-47800519-G-GT. GRCh37 (hg19) VCF-style: chr2-48027658-G-GT.
Other names: c.2146_2147insT, p.Glu716fs (NM_001281492.2); c.1630_1631insT, p.Glu544fs (NM_001281493.2, NM_001281494.2, NM_001406811.1 and 6 more transcripts); c.2632_2633insT, p.Glu878fs (NM_001406795.1, NM_001406802.1); c.2536_2537insT, p.Glu846fs (NM_001406796.1, NM_001406798.1, NM_001406800.1 and 2 more transcripts); c.2239_2240insT, p.Glu747fs (NM_001406797.1, NM_001406801.1, NM_001406805.1 and 10 more transcripts); c.2011_2012insT, p.Glu671fs (NM_001406799.1, NM_001406806.1, NM_001406807.1); c.2458_2459insT, p.Glu820fs (NM_001406804.1); c.2542_2543insT, p.Glu848fs (NM_001406813.1); and 4 more; short protein forms E544fs, E671fs, E716fs, E747fs, E790fs, E820fs, E846fs, E848fs.
Identifiers: ClinVar variation 2673679 (VCV002673679.1), dbSNP rs2530678325, ClinGen allele CA2695200553.
Genomic context (GRCh38, chr2:47,800,519, plus strand): 5'-CATAATGTTGGGTCTCCCCTGAAGAGTCAGAACCACCCAGACAGCAGGGCTATAATGTAT[G>GT]AAGAAACTACATACAGCAAGAAGAAGATTATTGATTTTCTTTCTGCTCTGGAAGGATTCA-3'